The following is an entry in ClinVar:

NM_015450.3(POT1):c.1763A>G (p.Asp588Gly)

Gene: POT1 (protection of telomeres 1; minus strand). Cytogenetic location: 7q31.33.
Variant type: single nucleotide variant.
Coding change: c.1763A>G on transcript NM_015450.3 (MANE Select); coding-DNA position 1763, A replaced by G.
Protein change: p.Asp588Gly; replaces aspartic acid 588 with glycine.
Molecular consequence: missense variant. On other transcripts: non-coding transcript variant (3).
Genome position (GRCh38, 1-based): chr7:124,825,281, T>C on the plus strand (A>G on the coding strand, the complement: POT1 is on the minus strand). VCF-style: chr7-124825281-T-C. GRCh37 (hg19) VCF-style: chr7-124465335-T-C.
Other names: c.1370A>G, p.Asp457Gly (NM_001042594.2); c.1763A>G (NM_015450.2); short protein forms D588G, D457G.
Identifiers: ClinVar variation 1491341 (VCV001491341.7), dbSNP rs2116407741, ClinGen allele CA369062210.
Genomic context (GRCh38, chr7:124,825,281, plus strand): 5'-AGTGTGGGATTGTTAAAATATTCTTGCCTACCAATTTTTATTCCTGGAGGACAAAACATA[T>C]CCATGATCATATCCACACTTTTCTGAAGGTCATCATCCATCAGAACTTCTGATGCTGGAA-3'
Protein context (NP_056265.2, residues 578-598): DLQKSVDMIM[Asp588Gly]MFCPPGIKID

ClinVar aggregate classification (germline): Uncertain significance. Review status: criteria provided, multiple submitters, no conflicts (2 of 4 stars). 2 submissions from 2 submitters: Uncertain significance (2). Last evaluated 2025-09-18.

Conditions:
Tumor predisposition syndrome 3 (TPDS3). Also called: Melanoma, cutaneous malignant, susceptibility to, 10; LONG TELOMERE SYNDROME, POT1-RELATED; POT1 Tumor Predisposition; Glioma susceptibility 9. Identifiers: Orphanet 618, MedGen C4014476, MONDO:0014368, OMIM 615848.
Hereditary cancer-predisposing syndrome. Also called: Tumor predisposition; Neoplastic Syndromes, Hereditary; Hereditary Cancer Syndrome; Hereditary neoplastic syndrome. Identifiers: Orphanet 140162, MedGen C0027672, MeSH D009386, MONDO:0015356.

Submissions (2):

Ambry Genetics
Classification: Uncertain significance for Hereditary cancer-predisposing syndrome. Last evaluated: 2025-09-18. Review status: criteria provided, single submitter. Criteria: Ambry Variant Classification Scheme 2023. Collection method: clinical testing. Allele origin: germline.
Comment: The c.1763A>G variant (also known as p.D588G), located in coding exon 14 of the POT1 gene, results from an A to G substitution at nucleotide position 1763. The aspartic acid at codon 588 is replaced by glycine, an amino acid with similar properties. This nucleotide position is well conserved in available vertebrate species. In silico splice site analysis predicts that this alteration will weaken the native splice donor site and will result in the creation or strengthening of a novel splice donor site. RNA studies have demonstrated that this alteration results in a transcript predicted to lead to a protein with an in-frame deletion of 10 amino acids; however, the exact functional impact of the deleted amino acids is unknown at this time (Ambry internal data). Based on the available evidence, the clinical significance of this variant remains unclear.

Labcorp Genetics (formerly Invitae), Labcorp
Classification: Uncertain significance for Tumor predisposition syndrome 3. Last evaluated: 2021-09-18. Review status: criteria provided, single submitter. Criteria: Invitae Variant Classification Sherloc (09022015). Collection method: clinical testing. Allele origin: germline.
Comment: This sequence change replaces aspartic acid with glycine at codon 588 of the POT1 protein (p.Asp588Gly). The aspartic acid residue is moderately conserved and there is a moderate physicochemical difference between aspartic acid and glycine. This variant is not present in population databases (ExAC no frequency). This variant has not been reported in the literature in individuals affected with POT1-related conditions. Algorithms developed to predict the effect of missense changes on protein structure and function (SIFT, PolyPhen-2, Align-GVGD) all suggest that this variant is likely to be tolerated. Algorithms developed to predict the effect of sequence changes on RNA splicing suggest that this variant may create or strengthen a splice site. In summary, the available evidence is currently insufficient to determine the role of this variant in disease. Therefore, it has been classified as a Variant of Uncertain Significance.